The following is an entry in ClinVar:

ClinVar aggregate classification (germline): Benign (1 of 4 stars; one submission).

Conditions:
Platelet-type bleeding disorder 9 (BDPLT9). Also called: GLYCOPROTEIN Ia DEFICIENCY; GP Ia DEFICIENCY; COLLAGEN PLATELET RECEPTOR DEFICIENCY. Identifiers: Orphanet 73271, Orphanet 98886, MedGen C3280114, MONDO:0013622, OMIM 614200.

Allele frequency attached by ClinVar (database versions not stated): gnomAD exomes 0.00003; ExAC 0.00006; 1000 Genomes Project 30x 0.00016; 1000 Genomes Project 0.00020.
gnomAD v4.1: 65 of 1,613,322 alleles (0.004%); highest among the groups gnomAD compares: East Asian, 0.14%; no homozygotes.

Submission:

Illumina Laboratory Services, Illumina
Classification: Benign for Platelet-type bleeding disorder 9. Last evaluated: 2018-01-13. Review status: criteria provided, single submitter. Criteria: ICSL Variant Classification Criteria 13 December 2019. Collection method: clinical testing. Allele origin: germline.
Comment: This variant was observed in the ICSL laboratory as part of a predisposition screen in an ostensibly healthy population. It had not been previously curated by ICSL or reported in the Human Gene Mutation Database (HGMD: prior to June 1st, 2018), and was therefore a candidate for classification through an automated scoring system. Utilizing variant allele frequency, disease prevalence and penetrance estimates, and inheritance mode, an automated score was calculated to assess if this variant is too frequent to cause the disease. Based on the score and internal cut-off values, a variant classified as benign is not then subjected to further curation. The score for this variant resulted in a classification of benign for this disease.

NM_002203.4(ITGA2):c.871A>T (p.Met291Leu)

Gene: ITGA2 (integrin subunit alpha 2; plus strand). Cytogenetic location: 5q11.2.
Variant type: single nucleotide variant.
Coding change: c.871A>T on transcript NM_002203.4 (MANE Select); coding-DNA position 871, A replaced by T.
Protein change: p.Met291Leu; replaces methionine 291 with leucine.
Molecular consequence: missense variant. On other transcripts: non-coding transcript variant (5).
Genome position (GRCh38, 1-based): chr5:53,055,629, A>T. VCF-style: chr5-53055629-A-T. GRCh37 (hg19) VCF-style: chr5-52351459-A-T.
Other names: short protein forms M291L.
Identifiers: ClinVar variation 907871 (VCV000907871.4), dbSNP rs41377544, ClinGen allele CA3262729.